The following is an entry in ClinVar:

NM_001001957.2(OR2W3):c.532C>T (p.Leu178=)

Gene: OR2W3 (olfactory receptor family 2 subfamily W member 3; plus strand). Cytogenetic location: 1q44.
Variant type: single nucleotide variant.
Coding change: c.532C>T on transcript NM_001001957.2 (MANE Select); coding-DNA position 532, C replaced by T.
Protein change: p.Leu178=; no amino-acid change (leucine 178 retained).
Molecular consequence: synonymous variant.
Genome position (GRCh38, 1-based): chr1:247,896,118, C>T. VCF-style: chr1-247896118-C-T. GRCh37 (hg19) VCF-style: chr1-248059420-C-T.
Identifiers: ClinVar variation 2032417 (VCV002032417.4), dbSNP rs2527688475, ClinGen allele CA424738287.

ClinVar aggregate classification (germline): Uncertain significance (1 of 4 stars; one submission).

Submission:

Labcorp Genetics (formerly Invitae), Labcorp
Classification: Uncertain significance. Last evaluated: 2022-09-24. Review status: criteria provided, single submitter. Criteria: Invitae Variant Classification Sherloc (09022015). Collection method: clinical testing. Allele origin: germline.
Comment: This sequence change affects codon 178 of the OR2W3 mRNA. It is a 'silent' change, meaning that it does not change the encoded amino acid sequence of the OR2W3 protein. In summary, the available evidence is currently insufficient to determine the role of this variant in disease. Therefore, it has been classified as a Variant of Uncertain Significance. This variant has not been reported in the literature in individuals affected with OR2W3-related conditions. This variant is not present in population databases (gnomAD no frequency).